The following is an entry in ClinVar:

ClinVar aggregate classification (germline): Uncertain significance (1 of 4 stars; one submission).

Allele frequency attached by ClinVar (database versions not stated): gnomAD exomes below 0.00001; TOPMed below 0.00001; gnomAD 0.00001.

Submission:

Labcorp Genetics (formerly Invitae), Labcorp
Classification: Uncertain significance. Last evaluated: 2025-09-02. Review status: criteria provided, single submitter. Criteria: Invitae Variant Classification Sherloc (09022015). Collection method: clinical testing. Allele origin: germline.
Comment: This sequence change replaces methionine, which is neutral and non-polar, with threonine, which is neutral and polar, at codon 253 of the RHO protein (p.Met253Thr). This variant is present in population databases (no rsID available, gnomAD 0.004%). This variant has not been reported in the literature in individuals affected with RHO-related conditions. ClinVar contains an entry for this variant (Variation ID: 2985361). Invitae Evidence Modeling of protein sequence and biophysical properties (such as structural, functional, and spatial information, amino acid conservation, physicochemical variation, residue mobility, and thermodynamic stability) has been performed for this missense variant. However, the output from this modeling did not meet the statistical confidence thresholds required to predict the impact of this variant on RHO protein function. In summary, the available evidence is currently insufficient to determine the role of this variant in disease. Therefore, it has been classified as a Variant of Uncertain Significance.

NM_000539.3(RHO):c.758T>C (p.Met253Thr)

Gene: RHO (rhodopsin; plus strand). Cytogenetic location: 3q22.1.
Variant type: single nucleotide variant.
Coding change: c.758T>C on transcript NM_000539.3 (MANE Select); coding-DNA position 758, T replaced by C.
Protein change: p.Met253Thr; replaces methionine 253 with threonine.
Molecular consequence: missense variant.
Genome position (GRCh38, 1-based): chr3:129,532,594, T>C. VCF-style: chr3-129532594-T-C. GRCh37 (hg19) VCF-style: chr3-129251437-T-C.
Other names: short protein forms M253T.
Identifiers: ClinVar variation 2985361 (VCV002985361.3), dbSNP rs1191932068, ClinGen allele CA354470299.